The following is an entry in ClinVar:

ClinVar aggregate classification (germline): Uncertain significance (1 of 4 stars; one submission).

Conditions:
Familial adenomatous polyposis 1 (FAP1). Also called: FAMILIAL ADENOMATOUS POLYPOSIS 1, ATTENUATED; POLYPOSIS, ADENOMATOUS INTESTINAL. Identifiers: MedGen C2713442, MONDO:0021056, OMIM 175100. Disease mechanism: loss of function.

Submission:

Labcorp Genetics (formerly Invitae), Labcorp
Classification: Uncertain significance for Familial adenomatous polyposis 1. Last evaluated: 2022-12-03. Review status: criteria provided, single submitter. Criteria: Invitae Variant Classification Sherloc (09022015). Collection method: clinical testing. Allele origin: germline.
Comment: In summary, the available evidence is currently insufficient to determine the role of this variant in disease. Therefore, it has been classified as a Variant of Uncertain Significance. Experimental studies and prediction algorithms are not available or were not evaluated, and the functional significance of this variant is currently unknown. This variant has not been reported in the literature in individuals affected with APC-related conditions. This variant is not present in population databases (gnomAD no frequency). This variant occurs in a non-coding region of the APC gene. It does not change the encoded amino acid sequence of the APC protein.

NM_001127511.3(APC):c.81C>G (p.Thr27=)

Gene: APC (APC regulator of Wnt signaling pathway; plus strand). Cytogenetic location: 5q22.2.
Variant type: single nucleotide variant.
Coding change: c.81C>G on transcript NM_001127511.3; coding-DNA position 81, C replaced by G.
Protein change: p.Thr27=; no amino-acid change (threonine 27 retained).
Molecular consequence: synonymous variant. On other transcripts: 5 prime UTR variant (8), non-coding transcript variant (1), intron variant (5).
Genome position (GRCh38, 1-based): chr5:112,707,798, C>G. VCF-style: chr5-112707798-C-G. GRCh37 (hg19) VCF-style: chr5-112043495-C-G.
Other names: c.-103C>G (NM_001354895.2, NM_001407447.1, NM_001407452.1 and 3 more transcripts); c.81C>G, p.Thr27= (NM_001354897.2, NM_001354902.2, NM_001407446.1); c.-1138C>G (NM_001407470.1, NM_001407472.1); c.-19+149C>G (NM_001407448.1, NM_001407450.1, NM_001407457.1 and 1 more transcripts); c.-43+149C>G (NM_001407453.1).
Identifiers: ClinVar variation 2818277 (VCV002818277.3), dbSNP rs2149630931, ClinGen allele CA2739274985.